The following is an entry in ClinVar:

NM_005431.2(XRCC2):c.740C>G (p.Ser247Cys)

Gene: XRCC2 (X-ray repair cross complementing 2; minus strand). Cytogenetic location: 7q36.1.
Variant type: single nucleotide variant.
Coding change: c.740C>G on transcript NM_005431.2 (MANE Select); coding-DNA position 740, C replaced by G.
Protein change: p.Ser247Cys; replaces serine 247 with cysteine.
Molecular consequence: missense variant.
Genome position (GRCh38, 1-based): chr7:152,648,745, G>C on the plus strand (C>G on the coding strand, the complement: XRCC2 is on the minus strand). VCF-style: chr7-152648745-G-C. GRCh37 (hg19) VCF-style: chr7-152345830-G-C.
Other names: short protein forms S247C.
Identifiers: ClinVar variation 2562732 (VCV002562732.2), dbSNP rs780463768, ClinGen allele CA370198044.

ClinVar aggregate classification (germline): Uncertain significance (1 of 4 stars; one submission).

Conditions:
Hereditary cancer-predisposing syndrome. Also called: Neoplastic Syndromes, Hereditary; Hereditary Cancer Syndrome; Hereditary neoplastic syndrome; Tumor predisposition. Identifiers: Orphanet 140162, MedGen C0027672, MeSH D009386, MONDO:0015356.

gnomAD v4.1: 2 of 1,614,140 alleles (0.00012%); highest among the groups gnomAD compares: Middle Eastern, 0.016%; no homozygotes.

Submission:

Ambry Genetics
Classification: Uncertain significance for Hereditary cancer-predisposing syndrome. Last evaluated: 2023-05-29. Review status: criteria provided, single submitter. Criteria: Ambry Variant Classification Scheme 2023. Collection method: clinical testing. Allele origin: germline.
Comment: The p.S247C variant (also known as c.740C>G), located in coding exon 3 of the XRCC2 gene, results from a C to G substitution at nucleotide position 740. The serine at codon 247 is replaced by cysteine, an amino acid with dissimilar properties. This amino acid position is conserved. In addition, this alteration is predicted to be tolerated by in silico analysis. Since supporting evidence is limited at this time, the clinical significance of this alteration remains unclear.